The following is an entry in ClinVar:

ClinVar aggregate classification (germline): Likely benign. Review status: criteria provided, multiple submitters, no conflicts (2 of 4 stars). 3 submissions from 3 submitters: Likely benign (3). Last evaluated 2026-09-02.

Conditions:
MYH7B-related disorder. Also called: MYH7B-related condition.

Allele frequency attached by ClinVar (database versions not stated): TOPMed 0.00006; 1000 Genomes Project 30x 0.00031; 1000 Genomes Project 0.00040.
gnomAD v4.1: 102 of 1,596,890 alleles (0.0064%); highest among the groups gnomAD compares: East Asian, 0.025%; no homozygotes.

Submissions (3):

PreventionGenetics, part of Exact Sciences
Classification: Likely benign for MYH7B-related condition. Last evaluated: 2026-09-02. Review status: criteria provided, single submitter. Criteria: ACMG Guidelines, 2015. Collection method: clinical testing. Allele origin: germline.
Comment: This variant is classified as likely benign based on ACMG/AMP sequence variant interpretation guidelines (Richards et al. 2015 PMID: 25741868, with internal and published modifications).

Labcorp Genetics (formerly Invitae), Labcorp
Classification: Likely benign. Last evaluated: 2024-07-24. Review status: criteria provided, single submitter. Criteria: Invitae Variant Classification Sherloc (09022015). Collection method: clinical testing. Allele origin: germline.

Breakthrough Genomics
Classification: Likely benign. Review status: criteria provided, single submitter. Criteria: ACMG Guidelines, 2015. Collection method: not provided. Allele origin: germline. Inheritance: Unknown mechanism. Affected: yes.

NM_020884.7(MYH7B):c.4995C>T (p.Asp1665=)

Gene: MYH7B (myosin heavy chain 7B; plus strand). Cytogenetic location: 20q11.22.
Variant type: single nucleotide variant.
Coding change: c.4995C>T on transcript NM_020884.7 (MANE Select); coding-DNA position 4995, C replaced by T.
Protein change: p.Asp1665=; no amino-acid change (aspartic acid 1665 retained).
Molecular consequence: synonymous variant.
Genome position (GRCh38, 1-based): chr20:35,000,506, C>T. VCF-style: chr20-35000506-C-T. GRCh37 (hg19) VCF-style: chr20-33588309-C-T.
Identifiers: ClinVar variation 723545 (VCV000723545.12), dbSNP rs148157021, ClinGen allele CA9828394.